The following is an entry in ClinVar:

NM_006859.4(LIAS):c.883G>A (p.Ala295Thr)

Gene: LIAS (lipoic acid synthetase; plus strand). Cytogenetic location: 4p14.
Variant type: single nucleotide variant.
Coding change: c.883G>A on transcript NM_006859.4 (MANE Select); coding-DNA position 883, G replaced by A.
Protein change: p.Ala295Thr; replaces alanine 295 with threonine.
Molecular consequence: missense variant.
Genome position (GRCh38, 1-based): chr4:39,470,164, G>A. VCF-style: chr4-39470164-G-A. GRCh37 (hg19) VCF-style: chr4-39471784-G-A.
Other names: c.754G>A, p.Ala252Thr (NM_001278590.2); c.574G>A, p.Ala192Thr (NM_001363700.2); c.883G>A, p.Ala295Thr (NM_194451.3); short protein forms A192T, A252T, A295T.
Identifiers: ClinVar variation 1003576 (VCV001003576.8), dbSNP rs774997711, ClinGen allele CA2894785.

ClinVar aggregate classification (germline): Uncertain significance (1 of 4 stars; one submission).

Conditions:
Lipoic acid synthetase deficiency. Also called: HYPERGLYCINEMIA, LACTIC ACIDOSIS, AND SEIZURES. Identifiers: Orphanet 401859, MedGen C3280887, MONDO:0013762, OMIM 614462.

Allele frequency attached by ClinVar (database versions not stated): gnomAD exomes 0.00001; TOPMed 0.00001; ExAC 0.00003.

Submission:

Labcorp Genetics (formerly Invitae), Labcorp
Classification: Uncertain significance for Lipoic acid synthetase deficiency. Last evaluated: 2024-10-24. Review status: criteria provided, single submitter. Criteria: Invitae Variant Classification Sherloc (09022015). Collection method: clinical testing. Allele origin: germline.
Comment: This sequence change replaces alanine, which is neutral and non-polar, with threonine, which is neutral and polar, at codon 295 of the LIAS protein (p.Ala295Thr). This variant also falls at the last nucleotide of exon 8, which is part of the consensus splice site for this exon. This variant is present in population databases (rs774997711, gnomAD 0.003%). This variant has not been reported in the literature in individuals affected with LIAS-related conditions. ClinVar contains an entry for this variant (Variation ID: 1003576). An algorithm developed to predict the effect of missense changes on protein structure and function (PolyPhen-2) suggests that this variant is likely to be tolerated. Variants that disrupt the consensus splice site are a relatively common cause of aberrant splicing (PMID: 17576681, 9536098). Algorithms developed to predict the effect of sequence changes on RNA splicing suggest that this variant may disrupt the consensus splice site. In summary, the available evidence is currently insufficient to determine the role of this variant in disease. Therefore, it has been classified as a Variant of Uncertain Significance.

Literature cited by the submitters: PubMed 17576681; PubMed 9536098.